The following is an entry in ClinVar:

ClinVar aggregate classification (germline): Uncertain significance (1 of 4 stars; one submission).

Conditions:
Dyskeratosis congenita. Identifiers: Orphanet 1775, MedGen C0265965, MONDO:0015780.

Submission:

Labcorp Genetics (formerly Invitae), Labcorp
Classification: Uncertain significance for Dyskeratosis congenita. Last evaluated: 2023-06-23. Review status: criteria provided, single submitter. Criteria: Invitae Variant Classification Sherloc (09022015). Collection method: clinical testing. Allele origin: germline.
Comment: In summary, the available evidence is currently insufficient to determine the role of this variant in disease. Therefore, it has been classified as a Variant of Uncertain Significance. An algorithm developed to predict the effect of missense changes on protein structure and function (PolyPhen-2) suggests that this variant is likely to be tolerated. This variant has not been reported in the literature in individuals affected with TINF2-related conditions. This variant is not present in population databases (gnomAD no frequency). This sequence change replaces glutamine, which is neutral and polar, with histidine, which is basic and polar, at codon 403 of the TINF2 protein (p.Gln403His).

NM_001099274.3(TINF2):c.1209G>T (p.Gln403His)

Gene: TINF2 (TERF1 interacting nuclear factor 2; minus strand). Cytogenetic location: 14q12.
Variant type: single nucleotide variant.
Coding change: c.1209G>T on transcript NM_001099274.3 (MANE Select); coding-DNA position 1209, G replaced by T.
Protein change: p.Gln403His; replaces glutamine 403 with histidine.
Molecular consequence: missense variant. On other transcripts: 3 prime UTR variant (1).
Genome position (GRCh38, 1-based): chr14:24,240,076, C>A on the plus strand (G>T on the coding strand, the complement: TINF2 is on the minus strand). VCF-style: chr14-24240076-C-A. GRCh37 (hg19) VCF-style: chr14-24709282-C-A.
Other names: c.1104G>T, p.Gln368His (NM_001363668.2); c.*339G>T (NM_012461.3); short protein forms Q403H, Q368H.
Identifiers: ClinVar variation 2712854 (VCV002712854.3), dbSNP rs962310042, ClinGen allele CA389221185.
Genomic context (GRCh38, chr14:24,240,076, plus strand): 5'-CTTGTTCTACCCATCCCCTTTCCCAGCTTTCTGCTCCTTCCCACTCACCTTTCCTTCCCC[C>A]TGGCCATTTTCTTCCTCATCAGAGTCTAAAACCAAGTCCCCTATGGTAATGACGGAGCTG-3'
Protein context (NP_001092744.1, residues 393-413): VLDSDEEENG[Gln403His]GEGKESLENY